The following is an entry in ClinVar:

ClinVar aggregate classification (germline): Uncertain significance (1 of 4 stars; one submission).

Submission:

CeGaT Center for Human Genetics Tuebingen
Classification: Uncertain significance. Last evaluated: 2025-10-01. Review status: criteria provided, single submitter. Criteria: CeGaT Center For Human Genetics Tuebingen Variant Classification Criteria Version 2. Collection method: clinical testing. Allele origin: germline. Affected: yes. Observed: 1 variant allele.
Comment: C8B: PM2, BP4

NM_000066.4(C8B):c.88T>C (p.Ser30Pro)

Gene: C8B (complement C8 beta chain; minus strand). Cytogenetic location: 1p32.2.
Variant type: single nucleotide variant.
Coding change: c.88T>C on transcript NM_000066.4 (MANE Select); coding-DNA position 88, T replaced by C.
Protein change: p.Ser30Pro; replaces serine 30 with proline.
Molecular consequence: missense variant. On other transcripts: 5 prime UTR variant (2).
Genome position (GRCh38, 1-based): chr1:56,965,861, A>G on the plus strand (T>C on the coding strand, the complement: C8B is on the minus strand). VCF-style: chr1-56965861-A-G. GRCh37 (hg19) VCF-style: chr1-57431534-A-G.
Other names: c.-291T>C (NM_001278543.2); c.-228T>C (NM_001278544.2); short protein forms S30P.
Identifiers: ClinVar variation 4534310 (VCV004534310.6).
Genomic context (GRCh38, chr1:56,965,861, plus strand): 5'-GCTGCACCTTCCCTGTCATATTATTGATCAGGGAATTATTGGTAACTGTCACTTACCTGG[A>G]GCCAGGCAAACTGAGACAGCCCAGGGCAGCACAGAGAAGAAATAGCTCCACCGGCGCCCT-3'
Protein context (NP_000057.3, residues 20-40): AALGCLSLPG[Ser30Pro]RGERPHSFGS